The following is an entry in ClinVar:

NM_001905.4(CTPS1):c.721-76G>C

Gene: CTPS1 (CTP synthase 1; plus strand). Cytogenetic location: 1p34.2.
Variant type: single nucleotide variant.
Coding change: c.721-76G>C on transcript NM_001905.4 (MANE Select); 76 bases into the intron before coding-DNA position 721, G replaced by C.
Molecular consequence: intron variant.
Genome position (GRCh38, 1-based): chr1:40,995,841, G>C. VCF-style: chr1-40995841-G-C. GRCh37 (hg19) VCF-style: chr1-41461513-G-C.
Other names: c.253-76G>C (NM_001301237.2).
Identifiers: ClinVar variation 2628230 (VCV002628230.2), dbSNP rs12047657, ClinGen allele CA16051668.
Genomic context (GRCh38, chr1:40,995,841, plus strand): 5'-TAGTAGTTTATCTAGAAAATTGTCCTTTTTTCTGTTTTCAAATACATAATATTTTTACAA[G>C]GTCACGTAGCTAGTAGGAGGCTGTAAGCCTGGTGAGTTTTTGCTTTTATTTAATAACTTG-3'

ClinVar aggregate classification (germline): Benign (1 of 4 stars; one submission).

Allele frequency attached by ClinVar (database versions not stated): TOPMed 0.10952; 1000 Genomes Project 0.13119; 1000 Genomes Project 30x 0.13179.
gnomAD v4.1: 158,581 of 1,405,310 alleles (11%); highest among the groups gnomAD compares: East Asian, 26%; 10,547 homozygotes.

Submission:

Unidad de Genómica Garrahan, Hospital de Pediatría Garrahan
Classification: Benign. Last evaluated: 2023-11-12. Review status: criteria provided, single submitter. Criteria: ACMG Guidelines, 2015. Collection method: clinical testing. Allele origin: germline. Affected: no. Observed: 32 variant alleles.
Comment: This variant is classified as Benign based on local population frequency. This variant was detected in 33% of patients studied by a panel of primary immunodeficiencies. Number of patients: 32. Only high quality variants are reported.